The following is an entry in ClinVar:

ClinVar aggregate classification (germline): Likely pathogenic (1 of 4 stars; one submission).

Submission:

Labcorp Genetics (formerly Invitae), Labcorp
Classification: Likely pathogenic. Last evaluated: 2023-10-17. Review status: criteria provided, single submitter. Criteria: Invitae Variant Classification Sherloc (09022015). Collection method: clinical testing. Allele origin: germline.
Comment: This sequence change affects a donor splice site in intron 5 of the SMARCB1 gene. It is expected to disrupt RNA splicing. Variants that disrupt the donor or acceptor splice site typically lead to a loss of protein function (PMID: 16199547), and loss-of-function variants in SMARCB1 are known to be pathogenic (PMID: 10521299, 21208904). This variant is not present in population databases (gnomAD no frequency). Disruption of this splice site has been observed in individual(s) with clinical features of rhabdoid tumor predisposition syndrome (Invitae). Algorithms developed to predict the effect of sequence changes on RNA splicing suggest that this variant may disrupt the consensus splice site. In summary, the currently available evidence indicates that the variant is pathogenic, but additional data are needed to prove that conclusively. Therefore, this variant has been classified as Likely Pathogenic.

Literature cited by the submitters: PubMed 16199547; PubMed 10521299; PubMed 21208904.

NM_003073.5(SMARCB1):c.628+2T>C

Gene: SMARCB1 (SWI/SNF related BAF chromatin remodeling complex subunit B1; plus strand). Cytogenetic location: 22q11.23.
Variant type: single nucleotide variant.
Coding change: c.628+2T>C on transcript NM_003073.5 (MANE Select); the canonical splice donor site of the intron after coding-DNA position 628, T replaced by C.
Molecular consequence: splice donor variant.
Genome position (GRCh38, 1-based): chr22:23,803,424, T>C. VCF-style: chr22-23803424-T-C. GRCh37 (hg19) VCF-style: chr22-24145611-T-C.
Other names: c.682+2T>C (NM_001362877.2); c.655+2T>C (NM_001317946.2); c.601+2T>C (NM_001007468.3).
Identifiers: ClinVar variation 2769229 (VCV002769229.3), dbSNP rs111595704, ClinGen allele CA410936055.
Genomic context (GRCh38, chr22:23,803,424, plus strand): 5'-GCTGGACATGGAGATCGATGGGCAGAAGCTGCGAGACGCCTTCACCTGGAACATGAATGG[T>C]ACAAGGCAGTCGGGCTTGGCTGGGCCTGGCCCCAACCCCTGTGTGTTACGTGGGAACAGT-3'